The following is an entry in ClinVar:

NM_004446.3(EPRS1):c.2210C>T (p.Thr737Ile)

Gene: EPRS1 (glutamyl-prolyl-tRNA synthetase 1; minus strand). Cytogenetic location: 1q41.
Variant type: single nucleotide variant.
Coding change: c.2210C>T on transcript NM_004446.3 (MANE Select); coding-DNA position 2210, C replaced by T.
Protein change: p.Thr737Ile; replaces threonine 737 with isoleucine.
Molecular consequence: missense variant.
Genome position (GRCh38, 1-based): chr1:219,997,314, G>A on the plus strand (C>T on the coding strand, the complement: EPRS1 is on the minus strand). VCF-style: chr1-219997314-G-A. GRCh37 (hg19) VCF-style: chr1-220170656-G-A.
Other names: short protein forms T737I.
Identifiers: ClinVar variation 1680962 (VCV001680962.8), dbSNP rs1181962818, ClinGen allele CA344647945.

ClinVar aggregate classification (germline): Uncertain significance (1 of 4 stars; one submission).

Allele frequency attached by ClinVar (database versions not stated): gnomAD exomes below 0.00001; gnomAD 0.00001.
gnomAD v4.1: 6 of 1,607,994 alleles (0.00037%); highest among the groups gnomAD compares: Admixed American, 0.0085%; no homozygotes.

Submission:

Labcorp Genetics (formerly Invitae), Labcorp
Classification: Uncertain significance. Last evaluated: 2021-12-02. Review status: criteria provided, single submitter. Criteria: Invitae Variant Classification Sherloc (09022015). Collection method: clinical testing. Allele origin: germline.
Comment: This sequence change replaces threonine, which is neutral and polar, with isoleucine, which is neutral and non-polar, at codon 737 of the EPRS protein (p.Thr737Ile). This variant is present in population databases (no rsID available, gnomAD 0.003%). This variant has not been reported in the literature in individuals affected with EPRS-related conditions. Algorithms developed to predict the effect of missense changes on protein structure and function are either unavailable or do not agree on the potential impact of this missense change (SIFT: "Deleterious"; PolyPhen-2: "Benign"; Align-GVGD: "Class C0"). In summary, the available evidence is currently insufficient to determine the role of this variant in disease. Therefore, it has been classified as a Variant of Uncertain Significance.